The following is an entry in ClinVar:

NM_002246.3(KCNK3):c.488G>A (p.Gly163Asp)

Gene: KCNK3 (potassium two pore domain channel subfamily K member 3; plus strand). Cytogenetic location: 2p23.3.
Variant type: single nucleotide variant.
Coding change: c.488G>A on transcript NM_002246.3 (MANE Select); coding-DNA position 488, G replaced by A.
Protein change: p.Gly163Asp; replaces glycine 163 with aspartic acid.
Molecular consequence: missense variant.
Genome position (GRCh38, 1-based): chr2:26,727,871, G>A. VCF-style: chr2-26727871-G-A. GRCh37 (hg19) VCF-style: chr2-26950739-G-A.
Other names: short protein forms G163D.
Identifiers: ClinVar variation 1427737 (VCV001427737.6), dbSNP rs2148038390, ClinGen allele CA346262104.

ClinVar aggregate classification (germline): Uncertain significance (1 of 4 stars; one submission).

Conditions:
Pulmonary hypertension, primary, 4. Identifiers: Orphanet 422, MedGen C3809198, MONDO:0014136, OMIM 615344.

Submission:

Labcorp Genetics (formerly Invitae), Labcorp
Classification: Uncertain significance for Pulmonary hypertension, primary, 4. Last evaluated: 2021-08-05. Review status: criteria provided, single submitter. Criteria: Invitae Variant Classification Sherloc (09022015). Collection method: clinical testing. Allele origin: germline.
Comment: This sequence change replaces glycine with aspartic acid at codon 163 of the KCNK3 protein (p.Gly163Asp). The glycine residue is moderately conserved and there is a moderate physicochemical difference between glycine and aspartic acid. This variant is not present in population databases (ExAC no frequency). This variant has not been reported in the literature in individuals affected with KCNK3-related conditions. Algorithms developed to predict the effect of missense changes on protein structure and function are either unavailable or do not agree on the potential impact of this missense change (SIFT: "Tolerated"; PolyPhen-2: "Probably Damaging"; Align-GVGD: "Class C0"). In summary, the available evidence is currently insufficient to determine the role of this variant in disease. Therefore, it has been classified as a Variant of Uncertain Significance.